The following is an entry in ClinVar:

ClinVar aggregate classification (germline): Uncertain significance (1 of 4 stars; one submission).

Conditions:
Congenital myasthenic syndrome 8. Also called: MYASTHENIC SYNDROME, CONGENITAL, DUE TO AGRIN DEFICIENCY; Myasthenic syndrome, congenital, 8, with pre- and postsynaptic defects. Identifiers: Orphanet 590, MedGen C3808739, MONDO:0014052, OMIM 615120.

Submission:

Labcorp Genetics (formerly Invitae), Labcorp
Classification: Uncertain significance for Congenital myasthenic syndrome 8. Last evaluated: 2021-12-19. Review status: criteria provided, single submitter. Criteria: Invitae Variant Classification Sherloc (09022015). Collection method: clinical testing. Allele origin: germline.
Comment: In summary, the available evidence is currently insufficient to determine the role of this variant in disease. Therefore, it has been classified as a Variant of Uncertain Significance. Algorithms developed to predict the effect of missense changes on protein structure and function are either unavailable or do not agree on the potential impact of this missense change (SIFT: "Deleterious"; PolyPhen-2: "Probably Damaging"; Align-GVGD: "Class C0"). This variant has not been reported in the literature in individuals affected with AGRN-related conditions. This variant is not present in population databases (gnomAD no frequency). This sequence change replaces aspartic acid, which is acidic and polar, with histidine, which is basic and polar, at codon 695 of the AGRN protein (p.Asp695His).

NM_198576.4(AGRN):c.2083G>C (p.Asp695His)

Gene: AGRN (agrin; plus strand). Cytogenetic location: 1p36.33.
Variant type: single nucleotide variant.
Coding change: c.2083G>C on transcript NM_198576.4 (MANE Select); coding-DNA position 2083, G replaced by C.
Protein change: p.Asp695His; replaces aspartic acid 695 with histidine.
Molecular consequence: missense variant.
Genome position (GRCh38, 1-based): chr1:1,044,192, G>C. VCF-style: chr1-1044192-G-C. GRCh37 (hg19) VCF-style: chr1-979572-G-C.
Other names: c.2083G>C, p.Asp695His (NM_001305275.2); c.1768G>C, p.Asp590His (NM_001364727.2); short protein forms D695H, D590H.
Identifiers: ClinVar variation 1983237 (VCV001983237.4), dbSNP rs1645027428, ClinGen allele CA337836107.